The following is an entry in ClinVar:

ClinVar aggregate classification (germline): Likely benign (1 of 4 stars; one submission).

Allele frequency attached by ClinVar (database versions not stated): TOPMed 0.00019; gnomAD 0.00021; ExAC 0.00022; 1000 Genomes Project 30x 0.00031; ESP Exome Variant Server 0.00039; 1000 Genomes Project 0.00040.
gnomAD v4.1: 389 of 1,614,084 alleles (0.024%); highest among the groups gnomAD compares: South Asian, 0.043%; no homozygotes.

Submission:

CeGaT Center for Human Genetics Tuebingen
Classification: Likely benign. Last evaluated: 2025-08-01. Review status: criteria provided, single submitter. Criteria: CeGaT Center For Human Genetics Tuebingen Variant Classification Criteria Version 2. Collection method: clinical testing. Allele origin: germline. Affected: yes. Observed: 2 variant alleles.
Comment: DSCAM: BP4, BP7

NM_001389.5(DSCAM):c.5454C>T (p.Tyr1818=)

Gene: DSCAM (DS cell adhesion molecule; minus strand). Cytogenetic location: 21q22.2.
Variant type: single nucleotide variant.
Coding change: c.5454C>T on transcript NM_001389.5 (MANE Select); coding-DNA position 5454, C replaced by T.
Protein change: p.Tyr1818=; no amino-acid change (tyrosine 1818 retained).
Molecular consequence: synonymous variant. On other transcripts: non-coding transcript variant (1).
Genome position (GRCh38, 1-based): chr21:40,042,603, G>A on the plus strand (C>T on the coding strand, the complement: DSCAM is on the minus strand). VCF-style: chr21-40042603-G-A. GRCh37 (hg19) VCF-style: chr21-41414530-G-A.
Other names: c.*547C>T (NM_206887.1); c.5454C>T, p.Tyr1818= (NM_001271534.3).
Identifiers: ClinVar variation 2652669 (VCV002652669.24), dbSNP rs199512904, ClinGen allele CA10030307.